The following is an entry in ClinVar:

ClinVar aggregate classification (germline): Uncertain significance. Review status: criteria provided, multiple submitters, no conflicts (2 of 4 stars). 5 submissions from 5 submitters: Uncertain significance (4). 1 of the submissions does not count toward it. Last evaluated 2024-04-01.

Conditions:
Pili torti-deafness syndrome (BJS). Also called: PILI TORTI AND NERVE DEAFNESS; Bjornstad syndrome. Identifiers: Orphanet 123, MedGen C0266006, MONDO:0009872, OMIM 262000.
GRACILE syndrome (FLNMS). Also called: FELLMAN SYNDROME; FINNISH LETHAL NEONATAL METABOLIC SYNDROME. Identifiers: Orphanet 53693, MedGen C1864002, MONDO:0011308, OMIM 603358.
Mitochondrial complex III deficiency nuclear type 1. Identifiers: Orphanet 254902, MedGen C3541471, MONDO:0007415, OMIM 124000.
Inborn genetic diseases. Identifiers: MedGen C0950123, MeSH D030342.

Allele frequency attached by ClinVar (database versions not stated): gnomAD 0.00008 and 0.00010; TOPMed 0.00008; gnomAD exomes 0.00012; ExAC 0.00014; 1000 Genomes Project 30x 0.00016; 1000 Genomes Project 0.00020.

Submissions (5):

Ambry Genetics
Classification: Uncertain significance for Inborn genetic diseases. Last evaluated: 2024-04-01. Review status: criteria provided, single submitter. Criteria: Ambry Variant Classification Scheme 2023. Collection method: clinical testing. Allele origin: germline.

GeneDx
Classification: Uncertain significance. Last evaluated: 2022-07-06. Review status: criteria provided, single submitter. Criteria: GeneDx Variant Classification Process June 2021. Collection method: clinical testing. Allele origin: germline. Affected: yes.
Comment: In silico analysis supports that this missense variant does not alter protein structure/function; Has not been previously published as pathogenic or benign to our knowledge

Labcorp Genetics (formerly Invitae), Labcorp
Classification: Uncertain significance. Last evaluated: 2022-07-06. Review status: criteria provided, single submitter. Criteria: Invitae Variant Classification Sherloc (09022015). Collection method: clinical testing. Allele origin: germline.
Comment: This sequence change replaces valine, which is neutral and non-polar, with methionine, which is neutral and non-polar, at codon 167 of the BCS1L protein (p.Val167Met). This variant is present in population databases (rs200882008, gnomAD 0.05%), including at least one homozygous and/or hemizygous individual. This variant has not been reported in the literature in individuals affected with BCS1L-related conditions. ClinVar contains an entry for this variant (Variation ID: 214161). Advanced modeling of protein sequence and biophysical properties (such as structural, functional, and spatial information, amino acid conservation, physicochemical variation, residue mobility, and thermodynamic stability) performed at Invitae indicates that this missense variant is expected to disrupt BCS1L protein function. In summary, the available evidence is currently insufficient to determine the role of this variant in disease. Therefore, it has been classified as a Variant of Uncertain Significance.

Fulgent Genetics
Classification: Uncertain significance for Mitochondrial complex III deficiency nuclear type 1; Pili torti-deafness syndrome; GRACILE syndrome. Last evaluated: 2022-03-12. Review status: criteria provided, single submitter. Criteria: ACMG Guidelines, 2015. Collection method: clinical testing. Allele origin: unknown.

Natera, Inc.
Classification: Uncertain significance for GRACILE syndrome. Last evaluated: 2019-11-11. Review status: no assertion criteria provided. Collection method: clinical testing. Allele origin: germline. Not counted in ClinVar's aggregate classification.

NM_001079866.2(BCS1L):c.499G>A (p.Val167Met)

Gene: BCS1L (BCS1 ubiquinol-cytochrome c reductase complex chaperone; plus strand). Cytogenetic location: 2q35.
Variant type: single nucleotide variant.
Coding change: c.499G>A on transcript NM_001079866.2 (MANE Select); coding-DNA position 499, G replaced by A.
Protein change: p.Val167Met; replaces valine 167 with methionine.
Molecular consequence: missense variant. On other transcripts: 5 prime UTR variant (6), non-coding transcript variant (1).
Genome position (GRCh38, 1-based): chr2:218,661,797, G>A. VCF-style: chr2-218661797-G-A. GRCh37 (hg19) VCF-style: chr2-219526520-G-A.
Other names: p.V167M:GTG>ATG; c.499G>A, p.Val167Met (NM_001257342.2, NM_001257343.2, NM_001257344.2 and 10 more transcripts); c.139G>A, p.Val47Met (NM_001318836.2, NM_001371451.1); c.-3G>A (NM_001371452.1, NM_001371453.1, NM_001371454.1 and 3 more transcripts); short protein forms V167M, V47M.
Identifiers: ClinVar variation 214161 (VCV000214161.9), dbSNP rs200882008, ClinGen allele CA323457.